The following is an entry in ClinVar:

ClinVar aggregate classification (germline): Conflicting classifications of pathogenicity. Review status: criteria provided, conflicting classifications (1 of 4 stars). 3 submissions from 3 submitters: Uncertain significance (2); Likely benign (1). Last evaluated 2025-12-19.

Conditions:
Inborn genetic diseases. Identifiers: MedGen C0950123, MeSH D030342.
Genitopatellar syndrome (GTPTS). Also called: ABSENT PATELLAE, SCROTAL HYPOPLASIA, RENAL ANOMALIES, FACIAL DYSMORPHISM, AND MENTAL RETARDATION; Genitopatellar syndrome (GPS). Identifiers: Orphanet 85201, MedGen C1853566, MONDO:0011640, OMIM 606170.
Blepharophimosis - intellectual disability syndrome, SBBYS type (SBBYSS). Also called: Young Simpson syndrome; Mental retardation unusual facies hypothyroidism; Say-Barber-Biesecker-Young-Simpson variant of Ohdo Syndrome; Ohdo syndrome, SBBYS variant; SBBYSS syndrome; Say-Barber-Biesecker Variant of Ohdo Syndrome. Identifiers: Orphanet 3047, MedGen C1863557, MONDO:0011365, OMIM 603736.

Allele frequency attached by ClinVar (database versions not stated): gnomAD exomes 0.00001; ExAC 0.00002; TOPMed 0.00010; gnomAD 0.00012 and 0.00014.
gnomAD v4.1: 30 of 1,573,874 alleles (0.0019%); highest among the groups gnomAD compares: African/African-American, 0.039%; no homozygotes.

Submissions (3):

Labcorp Genetics (formerly Invitae), Labcorp
Classification: Uncertain significance for Genitopatellar syndrome. Last evaluated: 2025-12-19. Review status: criteria provided, single submitter. Criteria: Invitae Variant Classification Sherloc (09022015). Collection method: clinical testing. Allele origin: germline.
Comment: This sequence change replaces methionine, which is neutral and non-polar, with valine, which is neutral and non-polar, at codon 758 of the KAT6B protein (p.Met758Val). This variant is present in population databases (rs766894762, gnomAD 0.04%). This variant has not been reported in the literature in individuals affected with KAT6B-related conditions. ClinVar contains an entry for this variant (Variation ID: 1361928). Invitae Evidence Modeling of protein sequence and biophysical properties (such as structural, functional, and spatial information, amino acid conservation, physicochemical variation, residue mobility, and thermodynamic stability) indicates that this missense variant is not expected to disrupt KAT6B protein function with a negative predictive value of 80%. In summary, the available evidence is currently insufficient to determine the role of this variant in disease. Therefore, it has been classified as a Variant of Uncertain Significance.

Fulgent Genetics
Classification: Uncertain significance for Blepharophimosis - intellectual disability syndrome, SBBYS type; Genitopatellar syndrome. Last evaluated: 2024-04-16. Review status: criteria provided, single submitter. Criteria: ACMG Guidelines, 2015. Collection method: clinical testing. Allele origin: germline.

Ambry Genetics
Classification: Likely benign for Inborn genetic diseases. Last evaluated: 2024-03-19. Review status: criteria provided, single submitter. Criteria: Ambry Variant Classification Scheme 2023. Collection method: clinical testing. Allele origin: germline.

NM_012330.4(KAT6B):c.2272A>G (p.Met758Val)

Gene: KAT6B (lysine acetyltransferase 6B; plus strand). Cytogenetic location: 10q22.2.
Variant type: single nucleotide variant.
Coding change: c.2272A>G on transcript NM_012330.4 (MANE Select); coding-DNA position 2272, A replaced by G.
Protein change: p.Met758Val; replaces methionine 758 with valine.
Molecular consequence: missense variant. On other transcripts: intron variant (2).
Genome position (GRCh38, 1-based): chr10:74,981,827, A>G. VCF-style: chr10-74981827-A-G. GRCh37 (hg19) VCF-style: chr10-76741585-A-G.
Other names: c.1723A>G, p.Met575Val (NM_001256468.2, NM_001370138.1); c.1396A>G, p.Met466Val (NM_001256469.2, NM_001370132.1, NM_001370139.1 and 3 more transcripts); c.349A>G, p.Met117Val (NM_001370134.1); c.2272A>G, p.Met758Val (NM_001370136.1, NM_001370137.1); c.1207A>G, p.Met403Val (NM_001370143.1, NM_001370144.1); c.847-7192A>G (NM_001370133.1); c.193-7192A>G (NM_001370135.1); c.2272A>G (NM_012330.2); short protein forms M403V, M466V, M758V, M575V, M117V.
Identifiers: ClinVar variation 1361928 (VCV001361928.9), dbSNP rs766894762, ClinGen allele CA5564568.
Genomic context (GRCh38, chr10:74,981,827, plus strand): 5'-TGATTTTTAAACTTTAACAGATTACCAAAGCTTTACCTGTGTGAATTCTGTCTTAAATAT[A>G]TGAAAAGTAAAAATATTTTGCTAAGACACTCCAAGAAGTGTGGATGGTTTCATCCTCCAG-3'
Protein context (NP_036462.2, residues 748-768): LYLCEFCLKY[Met758Val]KSKNILLRHS